The following is an entry in ClinVar:

NM_130811.4(SNAP25):c.197A>C (p.Gln66Pro)

Gene: SNAP25 (synaptosome associated protein 25; plus strand). Cytogenetic location: 20p12.2.
Variant type: single nucleotide variant.
Coding change: c.197A>C on transcript NM_130811.4 (MANE Select); coding-DNA position 197, A replaced by C.
Protein change: p.Gln66Pro; replaces glutamine 66 with proline.
Molecular consequence: missense variant. On other transcripts: intron variant (2).
Genome position (GRCh38, 1-based): chr20:10,293,194, A>C. VCF-style: chr20-10293194-A-C. GRCh37 (hg19) VCF-style: chr20-10273842-A-C.
Other names: NM_130811.4(SNAP25):c.197A>C; p.Gln66Pro; c.197A>C, p.Gln66Pro (NM_001322903.2, NM_001322904.2, NM_001322905.2 and 5 more transcripts); c.281+195A>C (NM_003081.5, NM_001322902.2); short protein forms Q66P.
Identifiers: ClinVar variation 1285519 (VCV001285519.3), dbSNP rs2064035939, ClinGen allele CA408265934.

ClinVar aggregate classification (germline): Conflicting classifications of pathogenicity. Review status: criteria provided, conflicting classifications (1 of 4 stars). 2 submissions from 2 submitters: Likely pathogenic (1); Uncertain significance (1). Last evaluated 2024-12-10.

Conditions:
Developmental and epileptic encephalopathy. Identifiers: MedGen C5779964, MONDO:0100620.

Submissions (2):

Broad Center for Mendelian Genomics, Broad Institute of MIT and Harvard
Classification: Uncertain significance for Developmental and epileptic encephalopathy. Last evaluated: 2024-12-10. Review status: criteria provided, single submitter. Criteria: ACMG Guidelines, 2015. Collection method: curation. Allele origin: germline. Inheritance: Autosomal dominant inheritance. Study: GREGoR Consortium.
Comment: Trio exome analysis showed this variant to be de novo. The p.Gln66Pro variant in SNAP25 has not been previously reported in the literature in individuals with developmental and epileptic encephalopathy, and was absent from large population studies. This variant has been reported in ClinVar (Variation ID: 1285519) and has been interpreted as likely pathogenic by Institute of Human Genetics (University of Leipzig Medical Center). Computational prediction tools and conservation analyses do not provide strong support for or against an impact to the protein. The p.Gln66Pro variant is located in a region of SNAP25 that is essential to protein folding and stability, suggesting that this variant is in a functional domain and supports pathogenicity (PMID: 33299146, 25381298). The number of missense variants reported in SNAP25 in the general population is lower than expected, suggesting there is little benign variation in this gene and slightly increasing the possibility that a missense variant in this gene may not be tolerated. In summary, the clinical significance of the p.Gln66Pro variant is uncertain. ACMG/AMP Criteria applied: PP2, PM1_supporting, PM2_supporting, PS2_supporting (Richards 2015).

Institute of Human Genetics, University of Leipzig Medical Center
Classification: Likely pathogenic for Early-infantile DEE. Last evaluated: 2020-07-15. Review status: criteria provided, single submitter. Criteria: ACMG Guidelines, 2015. Collection method: clinical testing. Allele origin: de novo. Affected: yes.
Comment: This variant was identified as de novo (maternity and paternity confirmed).

Literature cited by the submitters: PubMed 33299146 (cited by Institute of Human Genetics, University of Leipzig Medical Center).